The following is an entry in ClinVar:

ClinVar aggregate classification (germline): Uncertain significance (1 of 4 stars; one submission).

Allele frequency attached by ClinVar (database versions not stated): gnomAD 0.00001; TOPMed 0.00001.
gnomAD v4.1: 2 of 1,614,012 alleles (0.00012%); highest among the groups gnomAD compares: Non-Finnish European, 0.00017%; no homozygotes.

Submission:

GeneDx
Classification: Uncertain significance. Last evaluated: 2023-05-07. Review status: criteria provided, single submitter. Criteria: GeneDx Variant Classification Process June 2021. Collection method: clinical testing. Allele origin: germline. Affected: yes.
Comment: Not observed at significant frequency in large population cohorts (gnomAD); Missense variants in this gene are often considered pathogenic (HGMD); In silico analysis supports that this missense variant does not alter protein structure/function; Has not been previously published as pathogenic or benign to our knowledge; This substitution is predicted to be within the cytoplasmic loop between the first and second homologous domains.

NM_001165963.4(SCN1A):c.1997A>G (p.Gln666Arg)

Gene: SCN1A (sodium voltage-gated channel alpha subunit 1; minus strand). Cytogenetic location: 2q24.3.
Variant type: single nucleotide variant.
Coding change: c.1997A>G on transcript NM_001165963.4 (MANE Select); coding-DNA position 1997, A replaced by G.
Protein change: p.Gln666Arg; replaces glutamine 666 with arginine.
Molecular consequence: missense variant. On other transcripts: 5 prime UTR variant (1), non-coding transcript variant (1), intron variant (4).
Genome position (GRCh38, 1-based): chr2:166,043,715, T>C on the plus strand (A>G on the coding strand, the complement: SCN1A is on the minus strand). VCF-style: chr2-166043715-T-C. GRCh37 (hg19) VCF-style: chr2-166900225-T-C.
Other names: c.1997A>G, p.Gln666Arg (NM_001202435.3, NM_001353948.2, NM_001353949.2 and 4 more transcripts); c.1994A>G, p.Gln665Arg (NM_001353954.2, NM_001353955.2); c.-429A>G (NM_001353961.2); c.1959+38A>G (NM_001353958.2, NM_001353957.2, NM_001165964.3); c.1956+38A>G (NM_001353960.2); short protein forms Q665R, Q666R.
Identifiers: ClinVar variation 2663214 (VCV002663214.1), dbSNP rs1176852656, ClinGen allele CA349067131.